The following is an entry in ClinVar:

NM_000051.4(ATM):c.7089+2T>G

Genes: ATM (ATM serine/threonine kinase; plus strand), C11orf65 (chromosome 11 open reading frame 65; minus strand). Cytogenetic location: 11q22.3.
Variant type: single nucleotide variant.
Coding change: c.7089+2T>G on transcript NM_000051.4 (MANE Select); the canonical splice donor site of the intron after coding-DNA position 7089, T replaced by G.
Molecular consequence: splice donor variant. On other transcripts: intron variant (2).
Genome position (GRCh38, 1-based): chr11:108,327,760, T>G. VCF-style: chr11-108327760-T-G. GRCh37 (hg19) VCF-style: chr11-108198487-T-G.
Other names: c.7089+2T>G (NM_001351834.2); c.641-18689A>C (NM_001330368.2); c.*38+7460A>C (NM_001351110.2).
Identifiers: ClinVar variation 370103 (VCV000370103.15), dbSNP rs1057516235, ClinGen allele CA16041425.

ClinVar aggregate classification (germline): Pathogenic/Likely pathogenic. Review status: criteria provided, multiple submitters, no conflicts (2 of 4 stars). 5 submissions from 5 submitters: Pathogenic (1); Likely pathogenic (3). 1 of the submissions does not count toward it. Last evaluated 2026-08-20.

Conditions:
Hereditary cancer-predisposing syndrome. Also called: Neoplastic Syndromes, Hereditary; Hereditary neoplastic syndrome; Hereditary Cancer Syndrome; Tumor predisposition. Identifiers: Orphanet 140162, MedGen C0027672, MeSH D009386, MONDO:0015356.
Familial cancer of breast. Also called: hereditary breast carcinoma; Hereditary breast cancer; BREAST CANCER, FAMILIAL. Identifiers: Orphanet 227535, MedGen C0346153, MONDO:0016419, OMIM 114480. Disease mechanism: loss of function.
Ataxia-telangiectasia syndrome (AT). Also called: Ataxia-telangiectasia, complementation group D; Ataxia-telangiectasia, complementation group E; LOUIS-BAR SYNDROME; AT, COMPLEMENTATION GROUP C; ATAXIA-TELANGIECTASIA, COMPLEMENTATION GROUP A; ATAXIA-TELANGIECTASIA, FRESNO VARIANT. Identifiers: Orphanet 100, MedGen C0004135, MONDO:0008840, OMIM 208900.

Submissions (5):

Myriad Genetics, Inc.
Classification: Pathogenic for Familial cancer of breast. Last evaluated: 2026-08-20. Review status: criteria provided, single submitter. Criteria: Myriad Autosomal Dominant, Autosomal Recessive and X-Linked Classification Criteria (2023). Collection method: clinical testing. Allele origin: unknown.
Comment: This variant is considered pathogenic. This variant occurs within a consensus splice junction and is predicted to result in abnormal mRNA splicing of either an out-of-frame exon or an in-frame exon necessary for protein stability and/or normal function. This variant has been reported in an individual with clinical features of gene-specific disease [PMID: 41715124]. mRNA analysis has demonstrated abnormal mRNA splicing occurs [PMID: 41715124].

Ambry Genetics
Classification: Likely pathogenic for Hereditary cancer-predisposing syndrome. Last evaluated: 2022-10-14. Review status: criteria provided, single submitter. Criteria: Ambry Variant Classification Scheme 2023. Collection method: clinical testing. Allele origin: germline.
Comment: The c.7089+2T>G intronic variant results from a T to G substitution two nucleotides after coding exon 47 in the ATM gene. Alterations that disrupt the canonical splice site are expected to result in aberrant splicing. In silico splice site analysis predicts that this alteration will weaken the native splice donor site. The resulting transcript is predicted to be in-frame and is not expected to trigger nonsense-mediated mRNA decay; however, direct evidence is unavailable. The exact functional effect of the altered amino acid sequence is unknown; however, the impacted region is critical for protein function (Ambry internal data). This variant is considered to be rare based on population cohorts in the Genome Aggregation Database (gnomAD). This nucleotide position is highly conserved in available vertebrate species. Based on the majority of available evidence to date, this variant is likely to be pathogenic.

Color Diagnostics, LLC DBA Color Health
Classification: Likely pathogenic for Hereditary cancer-predisposing syndrome. Last evaluated: 2022-02-14. Review status: criteria provided, single submitter. Criteria: ACMG Guidelines, 2015. Collection method: clinical testing. Allele origin: germline.
Comment: This variant causes a T to G nucleotide substitution at the +2 position of intron 48 of the ATM gene. Splice site prediction tools predict that this variant may have a significant impact on RNA splicing. Although this prediction has not been confirmed in published RNA studies, this variant is expected to result in an absent or disrupted protein product. This variant has not been reported in individuals affected with hereditary cancer in the literature. This variant has not been identified in the general population by the Genome Aggregation Database (gnomAD). Loss of ATM function is a known mechanism of disease. Based on the available evidence, this variant is classified as Likely Pathogenic.

ARUP Laboratories, Molecular Genetics and Genomics, ARUP Laboratories
Classification: Likely pathogenic. Last evaluated: 2019-09-27. Review status: criteria provided, single submitter. Criteria: ARUP Molecular Germline Variant Investigation Process. Collection method: clinical testing. Allele origin: germline.
Comment: The ATM c.7089+2T>G variant (rs1057516235), to our knowledge, is not reported in the medical literature but is reported in ClinVar (Variation ID: 370103). This variant is absent from general population databases (Exome Variant Server, Genome Aggregation Database), indicating it is not a common polymorphism. This variant disrupts the canonical splice donor site of intron 48, which is likely to negatively impact gene function. Based on available information, this variant is considered to be likely pathogenic.

Counsyl
Classification: Likely pathogenic for Ataxia-telangiectasia syndrome. Last evaluated: 2015-11-18. Review status: no assertion criteria provided. Collection method: clinical testing. Allele origin: unknown. Not counted in ClinVar's aggregate classification.

Literature cited by the submitters: PubMed 41715124 (cited by Myriad Genetics, Inc.).